The following is an entry in ClinVar:

ClinVar aggregate classification (germline): Benign/Likely benign. Review status: criteria provided, multiple submitters, no conflicts (2 of 4 stars). 5 submissions from 5 submitters: Benign (1); Likely benign (4). Last evaluated 2026-09-25.

Conditions:
APC-related disorder. Also called: APC-related condition.
Familial adenomatous polyposis 1 (FAP1). Also called: FAMILIAL ADENOMATOUS POLYPOSIS 1, ATTENUATED; POLYPOSIS, ADENOMATOUS INTESTINAL. Identifiers: MedGen C2713442, MONDO:0021056, OMIM 175100. Disease mechanism: loss of function.
Hereditary cancer-predisposing syndrome. Also called: Tumor predisposition; Hereditary neoplastic syndrome; Neoplastic Syndromes, Hereditary; Hereditary Cancer Syndrome. Identifiers: Orphanet 140162, MedGen C0027672, MeSH D009386, MONDO:0015356.

Allele frequency attached by ClinVar (database versions not stated): gnomAD exomes below 0.00001 and 0.00001; ExAC 0.00001; gnomAD 0.00001; TOPMed 0.00001.
gnomAD v4.1: 6 of 1,613,968 alleles (0.00037%); highest among the groups gnomAD compares: Admixed American, 0.0033%; no homozygotes.

Submissions (5):

PreventionGenetics, part of Exact Sciences
Classification: Likely benign for APC-related condition. Last evaluated: 2026-09-25. Review status: criteria provided, single submitter. Criteria: ACMG Guidelines, 2015. Collection method: clinical testing. Allele origin: germline.
Comment: This variant is classified as likely benign based on ACMG/AMP sequence variant interpretation guidelines (Richards et al. 2015 PMID: 25741868, with internal and published modifications).

Labcorp Genetics (formerly Invitae), Labcorp
Classification: Likely benign for Familial adenomatous polyposis 1. Last evaluated: 2026-01-18. Review status: criteria provided, single submitter. Criteria: Invitae Variant Classification Sherloc (09022015). Collection method: clinical testing. Allele origin: germline.

Myriad Genetics, Inc.
Classification: Benign for Familial adenomatous polyposis 1. Last evaluated: 2024-04-05. Review status: criteria provided, single submitter. Criteria: Myriad Autosomal Dominant, Autosomal Recessive and X-Linked Classification Criteria (2023). Collection method: clinical testing. Allele origin: unknown.
Comment: This variant is considered benign. This variant is a silent/synonymous amino acid change and it is not expected to impact splicing.

Color Diagnostics, LLC DBA Color Health
Classification: Likely benign for Hereditary cancer-predisposing syndrome. Last evaluated: 2019-10-18. Review status: criteria provided, single submitter. Criteria: ACMG Guidelines, 2015. Collection method: clinical testing. Allele origin: germline.

Ambry Genetics
Classification: Likely benign for Hereditary cancer-predisposing syndrome. Last evaluated: 2017-11-06. Review status: criteria provided, single submitter. Criteria: Ambry Variant Classification Scheme 2023. Collection method: clinical testing. Allele origin: germline.

NM_000038.6(APC):c.6795A>G (p.Gln2265=)

Gene: APC (APC regulator of Wnt signaling pathway; plus strand). Cytogenetic location: 5q22.2.
Variant type: single nucleotide variant.
Coding change: c.6795A>G on transcript NM_000038.6 (MANE Select); coding-DNA position 6795, A replaced by G.
Protein change: p.Gln2265=; no amino-acid change (glutamine 2265 retained).
Molecular consequence: synonymous variant.
Genome position (GRCh38, 1-based): chr5:112,842,389, A>G. VCF-style: chr5-112842389-A-G. GRCh37 (hg19) VCF-style: chr5-112178086-A-G.
Other names: c.6795A>G, p.Gln2265= (NM_001127510.3, NM_001354895.2); c.6741A>G, p.Gln2247= (NM_001127511.3); c.6849A>G, p.Gln2283= (NM_001354896.2); c.6825A>G, p.Gln2275= (NM_001354897.2); c.6720A>G, p.Gln2240= (NM_001354898.2); c.6711A>G, p.Gln2237= (NM_001354899.2); c.6672A>G, p.Gln2224= (NM_001354900.2); c.6618A>G, p.Gln2206= (NM_001354901.2); and 5 more.
Identifiers: ClinVar variation 537522 (VCV000537522.17), dbSNP rs779065389, ClinGen allele CA046190.